The following is an entry in ClinVar:

ClinVar aggregate classification (germline): Pathogenic. Review status: no assertion criteria provided (0 of 4 stars). 2 submissions from 2 submitters: Pathogenic (2). Last evaluated 2012-10-04.

Conditions:
Hyperekplexia 1 (STHE). Also called: HYPEREKPLEXIA 1, AUTOSOMAL DOMINANT; HYPEREKPLEXIA 1, AUTOSOMAL RECESSIVE; STARTLE DISEASE, FAMILIAL; STIFF-BABY SYNDROME; STIFF-MAN SYNDROME, CONGENITAL; STIFF-PERSON SYNDROME, CONGENITAL. Identifiers: Orphanet 3197, MedGen C4551954, MONDO:0007868, OMIM 149400.

Submissions (2):

GeneReviews
Classification: Pathogenic for Hyperekplexia. Last evaluated: 2012-10-04. Review status: no assertion criteria provided. Collection method: curation. Allele origin: unknown.
ClinVar note: Converted during submission from pathologic to Pathogenic.

OMIM
Classification: Pathogenic for HYPEREKPLEXIA 1, AUTOSOMAL DOMINANT. Last evaluated: 1999-02-01. Review status: no assertion criteria provided. Collection method: literature only. Allele origin: germline.

Literature cited by the submitters: PubMed 9920650 (cited by OMIM).

NM_000171.4(GLRA1):c.832C>A (p.Pro278Thr)

Gene: GLRA1 (glycine receptor alpha 1; minus strand). Cytogenetic location: 5q33.1.
Variant type: single nucleotide variant.
Coding change: c.832C>A on transcript NM_000171.4 (MANE Select); coding-DNA position 832, C replaced by A.
Protein change: p.Pro278Thr; replaces proline 278 with threonine.
Molecular consequence: missense variant.
Genome position (GRCh38, 1-based): chr5:151,851,470, G>T on the plus strand (C>A on the coding strand, the complement: GLRA1 is on the minus strand). VCF-style: chr5-151851470-G-T. GRCh37 (hg19) VCF-style: chr5-151231031-G-T.
Other names: P250T; C1128A; c.832C>A, p.Pro278Thr (NM_001146040.2); c.583C>A, p.Pro195Thr (NM_001292000.2); short protein forms P278T, P195T.
Identifiers: ClinVar variation 16066 (VCV000016066.3), dbSNP rs121918413, ClinGen allele CA341369.
Genomic context (GRCh38, chr5:151,851,470, plus strand): 5'-AGCCGGAGCTCTGGGTGGTCATGGTGAGCACAGTGGTGATGCCTAGGCCCACACGAGCAG[G>T]TGCAGCATCCATGTTGATCCAGAAGGAGATCCATGAGAGGATGACAATGAGCAGGCTGGG-3'
Protein context (NP_000162.2, residues 268-288): ISFWINMDAA[Pro278Thr]ARVGLGITTV